The following is an entry in ClinVar:

ClinVar aggregate classification (germline): Benign/Likely benign. Review status: criteria provided, multiple submitters, no conflicts (2 of 4 stars). 3 submissions from 3 submitters: Benign (1); Likely benign (2). Last evaluated 2026-05-20.

Conditions:
Cardiovascular phenotype. Identifiers: MedGen CN230736.
Hereditary cancer-predisposing syndrome. Also called: Tumor predisposition; Hereditary Cancer Syndrome; Hereditary neoplastic syndrome; Neoplastic Syndromes, Hereditary. Identifiers: Orphanet 140162, MedGen C0027672, MeSH D009386, MONDO:0015356.
Neurofibromatosis, type 1 (NF1). Also called: NEUROFIBROMATOSIS, TYPE I, SOMATIC; Peripheral type neurofibromatosis; VON RECKLINGHAUSEN DISEASE; Neurofibromatosis, type I. Identifiers: Orphanet 636, MedGen C0027831, MONDO:0018975, OMIM 162200. Disease mechanism: loss of function.

Allele frequency attached by ClinVar (database versions not stated): gnomAD below 0.00001 and 0.00001; TOPMed below 0.00001; gnomAD exomes below 0.00001.
gnomAD v4.1: 3 of 1,612,998 alleles (0.00019%); highest among the groups gnomAD compares: South Asian, 0.0033%; no homozygotes.

Submissions (3):

Myriad Genetics, Inc.
Classification: Benign for Neurofibromatosis, type 1. Last evaluated: 2026-05-20. Review status: criteria provided, single submitter. Criteria: Myriad Autosomal Dominant, Autosomal Recessive and X-Linked Classification Criteria (2023). Collection method: clinical testing. Allele origin: unknown.
Comment: This variant is considered benign. This variant is a silent/synonymous amino acid change and it is not expected to impact splicing.

Labcorp Genetics (formerly Invitae), Labcorp
Classification: Likely benign for Neurofibromatosis, type 1. Last evaluated: 2025-08-10. Review status: criteria provided, single submitter. Criteria: Invitae Variant Classification Sherloc (09022015). Collection method: clinical testing. Allele origin: germline.

Ambry Genetics
Classification: Likely benign for Cardiovascular phenotype; Hereditary cancer-predisposing syndrome. Last evaluated: 2018-11-21. Review status: criteria provided, single submitter. Criteria: Ambry Variant Classification Scheme 2023. Collection method: clinical testing. Allele origin: germline.

NM_001042492.3(NF1):c.5163T>C (p.His1721=)

Gene: NF1 (neurofibromin 1; plus strand). Cytogenetic location: 17q11.2.
Variant type: single nucleotide variant.
Coding change: c.5163T>C on transcript NM_001042492.3 (MANE Select); coding-DNA position 5163, T replaced by C.
Protein change: p.His1721=; no amino-acid change (histidine 1721 retained).
Molecular consequence: synonymous variant.
Genome position (GRCh38, 1-based): chr17:31,326,147, T>C. VCF-style: chr17-31326147-T-C. GRCh37 (hg19) VCF-style: chr17-29653165-T-C.
Other names: c.5100T>C, p.His1700= (NM_000267.4).
Identifiers: ClinVar variation 825449 (VCV000825449.10), dbSNP rs267604792, ClinGen allele CA499233182.